The following is an entry in ClinVar:

ClinVar aggregate classification (germline): Uncertain significance (1 of 4 stars; one submission).

Conditions:
Mitochondrial DNA depletion syndrome, encephalomyopathic form with methylmalonic aciduria (MTDPS5). Also called: Mitochondrial DNA depletion syndrome 5 (encephalomyopathic with or without methylmalonic aciduria); Mitochondrial encephalomyopathy aminoacidopathy; MITOCHONDRIAL DNA DEPLETION SYNDROME, ENCEPHALOMYOPATHIC FORM, WITH OR WITHOUT METHYLMALONIC ACIDURIA, AUTOSOMAL RECESSIVE, SUCLA2-RELATED; SUCLA2-Related Mitochondrial DNA Depletion Syndrome, Encephalomyopathic Form with Methylmalonic Aciduria. Identifiers: Orphanet 1933, MedGen C5980207, MONDO:0012791, OMIM 612073.

Submission:

Labcorp Genetics (formerly Invitae), Labcorp
Classification: Uncertain significance for Mitochondrial DNA depletion syndrome, encephalomyopathic form with methylmalonic aciduria. Last evaluated: 2018-09-10. Review status: criteria provided, single submitter. Criteria: Invitae Variant Classification Sherloc (09022015). Collection method: clinical testing. Allele origin: germline.
Comment: This sequence change replaces isoleucine with valine at codon 121 of the SUCLA2 protein (p.Ile121Val). The isoleucine residue is highly conserved and there is a small physicochemical difference between isoleucine and valine. This variant is not present in population databases (ExAC no frequency). This variant has not been reported in the literature in individuals with SUCLA2-related disease. Algorithms developed to predict the effect of missense changes on protein structure and function (SIFT, PolyPhen-2, Align-GVGD) all suggest that this variant is likely to be tolerated, but these predictions have not been confirmed by published functional studies and their clinical significance is uncertain. Algorithms developed to predict the effect of sequence changes on RNA splicing suggest that this variant may create or strengthen a splice site, but this prediction has not been confirmed by published transcriptional studies. In summary, the available evidence is currently insufficient to determine the role of this variant in disease. Therefore, it has been classified as a Variant of Uncertain Significance.

NM_003850.3(SUCLA2):c.361A>G (p.Ile121Val)

Gene: SUCLA2 (succinate-CoA ligase ADP-forming subunit beta; minus strand). Cytogenetic location: 13q14.2.
Variant type: single nucleotide variant.
Coding change: c.361A>G on transcript NM_003850.3 (MANE Select); coding-DNA position 361, A replaced by G.
Protein change: p.Ile121Val; replaces isoleucine 121 with valine.
Molecular consequence: missense variant.
Genome position (GRCh38, 1-based): chr13:47,988,892, T>C on the plus strand (A>G on the coding strand, the complement: SUCLA2 is on the minus strand). VCF-style: chr13-47988892-T-C. GRCh37 (hg19) VCF-style: chr13-48563027-T-C.
Other names: short protein forms I121V.
Identifiers: ClinVar variation 663403 (VCV000663403.8), dbSNP rs1593500612, ClinGen allele CA388151263.